The following is an entry in ClinVar:

NM_000434.4(NEU1):c.1191del (p.Asn398fs)

Gene: NEU1 (neuraminidase 1; minus strand). Cytogenetic location: 6p21.33.
Variant type: Deletion.
Coding change: c.1191del on transcript NM_000434.4 (MANE Select); coding-DNA position 1191, one base deleted (G; older notation c.1191delG).
Protein change: p.Asn398fs; shifts the reading frame from asparagine 398.
Molecular consequence: frameshift variant.
Genome position (GRCh38, 1-based): chr6:31,859,776, C deleted on the plus strand (G on the coding strand, the reverse complement: NEU1 is on the minus strand); the first of 2 consecutive C bases (chr6:31,859,776-31,859,777); deleting either gives the same sequence. VCF-style (leftmost placement, unchanged base first): chr6-31859775-TC-T. GRCh37 (hg19) VCF-style: chr6-31827552-TC-T.
Other names: short protein forms N398fs.
Identifiers: ClinVar variation 3720677 (VCV003720677.2).

ClinVar aggregate classification (germline): Pathogenic (1 of 4 stars; one submission).

Submission:

Labcorp Genetics (formerly Invitae), Labcorp
Classification: Pathogenic. Last evaluated: 2024-12-09. Review status: criteria provided, single submitter. Criteria: Invitae Variant Classification Sherloc (09022015). Collection method: clinical testing. Allele origin: germline.
Comment: This sequence change results in a frameshift in the NEU1 gene (p.Asn398Thrfs*90). While this is not anticipated to result in nonsense mediated decay, it is expected to disrupt the last 18 amino acid(s) of the NEU1 protein and extend the protein by 71 additional amino acid residues. This variant is not present in population databases (gnomAD no frequency). This frameshift has been observed in individual(s) with sialidosis (PMID: 23391804). This variant results in an extension of the NEU1 protein. Other variant(s) that result in a similarly extended protein product (p.Ser403Thrfs*85) have been determined to be pathogenic (PMID: 32752208). This suggests that these extensions are likely to be disease-causing. For these reasons, this variant has been classified as Pathogenic.

Literature cited by the submitters: PubMed 23391804; PubMed 32752208.